The following is an entry in ClinVar:

ClinVar aggregate classification (germline): Uncertain significance (1 of 4 stars; one submission).

Allele frequency attached by ClinVar (database versions not stated): TOPMed below 0.00001.
gnomAD v4.1: 2 of 1,613,704 alleles (0.00012%); highest among the groups gnomAD compares: Middle Eastern, 0.016%; no homozygotes.

Submission:

Labcorp Genetics (formerly Invitae), Labcorp
Classification: Uncertain significance. Last evaluated: 2023-09-05. Review status: criteria provided, single submitter. Criteria: Invitae Variant Classification Sherloc (09022015). Collection method: clinical testing. Allele origin: germline.
Comment: In summary, the available evidence is currently insufficient to determine the role of this variant in disease. Therefore, it has been classified as a Variant of Uncertain Significance. Advanced modeling of protein sequence and biophysical properties (such as structural, functional, and spatial information, amino acid conservation, physicochemical variation, residue mobility, and thermodynamic stability) performed at Invitae indicates that this missense variant is not expected to disrupt KRT2 protein function. This variant has not been reported in the literature in individuals affected with KRT2-related conditions. This variant is present in population databases (no rsID available, gnomAD 0.0009%). This sequence change replaces proline, which is neutral and non-polar, with serine, which is neutral and polar, at codon 138 of the KRT2 protein (p.Pro138Ser).

NM_000423.3(KRT2):c.412C>T (p.Pro138Ser)

Gene: KRT2 (keratin 2; minus strand). Cytogenetic location: 12q13.13.
Variant type: single nucleotide variant.
Coding change: c.412C>T on transcript NM_000423.3 (MANE Select); coding-DNA position 412, C replaced by T.
Protein change: p.Pro138Ser; replaces proline 138 with serine.
Molecular consequence: missense variant.
Genome position (GRCh38, 1-based): chr12:52,651,731, G>A on the plus strand (C>T on the coding strand, the complement: KRT2 is on the minus strand). VCF-style: chr12-52651731-G-A. GRCh37 (hg19) VCF-style: chr12-53045515-G-A.
Other names: short protein forms P138S.
Identifiers: ClinVar variation 2958013 (VCV002958013.3), dbSNP rs1279729635, ClinGen allele CA384942363.